The following is an entry in ClinVar:

NM_014009.4(FOXP3):c.-23+117G>A

Gene: FOXP3 (forkhead box P3; minus strand). Cytogenetic location: Xp11.23.
Variant type: single nucleotide variant.
Coding change: c.-23+117G>A on transcript NM_014009.4 (MANE Select); 117 bases into the intron after 23 bases upstream of the start codon, G replaced by A.
Molecular consequence: intron variant.
Genome position (GRCh38, 1-based): chrX:49,264,544, C>T on the plus strand (G>A on the coding strand, the complement: FOXP3 is on the minus strand). VCF-style: chrX-49264544-C-T. GRCh37 (hg19) VCF-style: chrX-49121006-C-T.
Other names: c.-23+117G>A (NM_001114377.2).
Identifiers: ClinVar variation 4684526 (VCV004684526.1).
Genomic context (GRCh38, chrX:49,264,544, plus strand): 5'-CTTTAAGTCTTCTGCCATTTATTCTATTATTTTTTTAAAGACCTTACCTGGCTGGAATCA[C>T]GGTAGCTGGGTACATCCCACTGTACCAGAGGGCCCCTGACCCCCCCGCCGTGCCTACCTC-3'

ClinVar aggregate classification (germline): Likely benign (1 of 4 stars; one submission).

gnomAD v4.1: 10 of 297,747 alleles (0.0034%); highest among the groups gnomAD compares: Non-Finnish European, 0.0045%; no homozygotes.

Submission:

Mayo Clinic Laboratories, Mayo Clinic
Classification: Likely benign. Last evaluated: 2024-08-26. Review status: criteria provided, single submitter. Criteria: ACMG Guidelines, 2015. Collection method: clinical testing. Allele origin: germline. Observed: 2 variant alleles.
Comment: BP4, BP7